The following is an entry in ClinVar:

ClinVar aggregate classification (germline): Likely benign. Review status: criteria provided, multiple submitters, no conflicts (2 of 4 stars). 2 submissions from 2 submitters: Likely benign (2). Last evaluated 2022-04-01.

Allele frequency attached by ClinVar (database versions not stated): gnomAD exomes 0.00003; ExAC 0.00005; gnomAD 0.00006; TOPMed 0.00007; ESP Exome Variant Server 0.00008; 1000 Genomes Project 30x 0.00016.
gnomAD v4.1: 57 of 1,609,910 alleles (0.0035%); highest among the groups gnomAD compares: Middle Eastern, 0.066%; no homozygotes.

Submissions (2):

CeGaT Center for Human Genetics Tuebingen
Classification: Likely benign. Last evaluated: 2022-04-01. Review status: criteria provided, single submitter. Criteria: CeGaT Center For Human Genetics Tuebingen Variant Classification Criteria Version 2. Collection method: clinical testing. Allele origin: germline. Affected: yes. Observed: 1 variant allele.
Comment: PRDM2: BP4

Ambry Genetics
Classification: Likely benign. Last evaluated: 2021-12-14. Review status: criteria provided, single submitter. Criteria: Ambry Variant Classification Scheme 2023. Collection method: clinical testing. Allele origin: germline.

NM_001393986.1(PRDM2):c.29C>T (p.Ala10Val)

Genes: PRDM2 (PR/SET domain 2; plus strand), LOC129929462 (ATAC-STARR-seq lymphoblastoid active region 217; plus strand). Cytogenetic location: 1p36.21.
Variant type: single nucleotide variant.
Coding change: c.29C>T on transcript NM_001393986.1 (MANE Select); coding-DNA position 29, C replaced by T.
Protein change: p.Ala10Val; replaces alanine 10 with valine.
Molecular consequence: missense variant.
Genome position (GRCh38, 1-based): chr1:13,731,019, C>T. VCF-style: chr1-13731019-C-T. GRCh37 (hg19) VCF-style: chr1-14057514-C-T.
Other names: c.29C>T, p.Ala10Val (NM_001135610.2, NM_012231.5, NM_015866.6); short protein forms A10V.
Identifiers: ClinVar variation 2354038 (VCV002354038.26), dbSNP rs369625913, ClinGen allele CA610075.
Genomic context (GRCh38, chr1:13,731,019, plus strand): 5'-TTCTTTCTTTTGCTGTGATCCTTCCATTTCTTGACTTGCAGAACACTACTGAGCCTGTGG[C>T]GGCCACCGAGACCCTGGCTGAGGTACCCGAACATGTGCTGCGAGGACTTCCGGAGGAAGT-3'
Protein context (NP_001380915.1, residues 1-20): MNQNTTEPV[Ala10Val]ATETLAEVPE